The following is an entry in ClinVar:

NM_006648.4(WNK2):c.3550G>C (p.Ala1184Pro)

Gene: WNK2 (WNK lysine deficient protein kinase 2; plus strand). Cytogenetic location: 9q22.31.
Variant type: single nucleotide variant.
Coding change: c.3550G>C on transcript NM_006648.4 (MANE Select); coding-DNA position 3550, G replaced by C.
Protein change: p.Ala1184Pro; replaces alanine 1184 with proline.
Molecular consequence: missense variant.
Genome position (GRCh38, 1-based): chr9:93,263,705, G>C. VCF-style: chr9-93263705-G-C. GRCh37 (hg19) VCF-style: chr9-96025987-G-C.
Other names: c.3550G>C, p.Ala1184Pro (NM_001282394.3); short protein forms A1184P.
Identifiers: ClinVar variation 4201792 (VCV004201792.1).
Genomic context (GRCh38, chr9:93,263,705, plus strand): 5'-GGCAGGGCAGCCCGAAAACACCACCGCAGGTCCACGCGTGCGCGCTCCCGGCAGGAGAGG[G>C]CCAGCCGGCCCCGGCTTACCATCTTGAACGTGAGTGGGCGGGGCGTGGCGGGGGTGTGGT-3'
Protein context (NP_006639.3, residues 1174-1194): STRARSRQER[Ala1184Pro]SRPRLTILNV

ClinVar aggregate classification (germline): Uncertain significance (1 of 4 stars; one submission).

Submission:

Ambry Genetics
Classification: Uncertain significance. Last evaluated: 2025-08-20. Review status: criteria provided, single submitter. Criteria: Ambry Variant Classification Scheme 2023. Collection method: clinical testing. Allele origin: germline.
Comment: The p.A1184P variant (also known as c.3550G>C), located in coding exon 14 of the WNK2 gene, results from a G to C substitution at nucleotide position 3550. The alanine at codon 1184 is replaced by proline, an amino acid with highly similar properties. This amino acid position is conserved. In addition, this alteration is predicted to be tolerated by in silico analysis. Based on the available evidence, the clinical significance of this variant remains unclear.